The following is an entry in ClinVar:

NM_001267550.2(TTN):c.64972+1G>T

Genes: TTN (titin; minus strand), TTN-AS1 (TTN antisense RNA 1; plus strand). Cytogenetic location: 2q31.2.
Variant type: single nucleotide variant.
Coding change: c.64972+1G>T on transcript NM_001267550.2 (MANE Select); the canonical splice donor site of the intron after coding-DNA position 64972, G replaced by T.
Molecular consequence: splice donor variant. On other transcripts: non-coding transcript variant (1).
Genome position (GRCh38, 1-based): chr2:178,584,668, C>A on the plus strand (G>T on the coding strand, the complement: TTN is on the minus strand). VCF-style: chr2-178584668-C-A. GRCh37 (hg19) VCF-style: chr2-179449395-C-A.
Other names: c.37777+1G>T (NM_003319.4); c.38353+1G>T (NM_133437.4); c.38152+1G>T (NM_133432.3); c.57268+1G>T (NM_133378.4); c.60049+1G>T (NM_001256850.1).
Identifiers: ClinVar variation 372831 (VCV000372831.1), dbSNP rs1057518009, ClinGen allele CA16042421.

ClinVar aggregate classification (germline): Likely pathogenic (1 of 4 stars; one submission).

Submission:

GeneDx
Classification: Likely pathogenic. Last evaluated: 2015-12-18. Review status: criteria provided, single submitter. Criteria: GeneDx Variant Classification (06012015). Collection method: clinical testing. Allele origin: germline. Affected: yes.
Comment: The c.60049+1G>T variant in the TTN gene has not been reported previously as a pathogenic variant nor as a benign variant, to our knowledge. The c.60049+1G>T variant was not observed inapproximately 6000 individuals of European and African American ancestry in the NHLBI Exome Sequencing Project, indicating it is not a common benign variant in these populations. This splice sitevariant destroys the canonical splice donor site in intron 310. It is predicted to cause abnormal gene splicing, either leading to an abnormal message that is subject to nonsense-mediated mRNA decay, or to an abnormal protein product if the message is used for protein translation. This variant is located in the A-band region of titin, where the majority of pathogenic truncating variants associated with dilated cardiomyopathy have been reported. Variants associated with tibial muscular dystrophy have also been reported in this region. However, truncating TTN variants have been reported in approximately 3% of control alleles (Herman D et al., 2012). Therefore, we interpret c.60049+1G>T as a likely pathogenic variant.